The following is an entry in ClinVar:

ClinVar aggregate classification (germline): Uncertain significance (1 of 4 stars; one submission).

Conditions:
Hereditary cancer-predisposing syndrome. Also called: Tumor predisposition; Hereditary Cancer Syndrome; Neoplastic Syndromes, Hereditary; Hereditary neoplastic syndrome. Identifiers: Orphanet 140162, MedGen C0027672, MeSH D009386, MONDO:0015356.

Allele frequency attached by ClinVar (database versions not stated): gnomAD exomes below 0.00001.
gnomAD v4.1: 1 of 1,614,036 alleles (0.000062%); no homozygotes.

Submission:

Ambry Genetics
Classification: Uncertain significance for Hereditary cancer-predisposing syndrome. Last evaluated: 2023-08-31. Review status: criteria provided, single submitter. Criteria: Ambry Variant Classification Scheme 2023. Collection method: clinical testing. Allele origin: germline.
Comment: The p.E373K variant (also known as c.1117G>A), located in coding exon 4 of the PALB2 gene, results from a G to A substitution at nucleotide position 1117. The glutamic acid at codon 373 is replaced by lysine, an amino acid with similar properties. This amino acid position is well conserved in available vertebrate species. In addition, this alteration is predicted to be tolerated by in silico analysis. Since supporting evidence is limited at this time, the clinical significance of this alteration remains unclear.

NM_024675.4(PALB2):c.1117G>A (p.Glu373Lys)

Gene: PALB2 (partner and localizer of BRCA2; minus strand). Cytogenetic location: 16p12.2.
Variant type: single nucleotide variant.
Coding change: c.1117G>A on transcript NM_024675.4 (MANE Select); coding-DNA position 1117, G replaced by A.
Protein change: p.Glu373Lys; replaces glutamic acid 373 with lysine.
Molecular consequence: missense variant.
Genome position (GRCh38, 1-based): chr16:23,635,429, C>T on the plus strand (G>A on the coding strand, the complement: PALB2 is on the minus strand). VCF-style: chr16-23635429-C-T. GRCh37 (hg19) VCF-style: chr16-23646750-C-T.
Other names: c.1057G>A, p.Glu353Lys (NM_001407296.1); c.1117G>A, p.Glu373Lys (NM_001407297.1, NM_001407298.1, NM_001407299.1 and 3 more transcripts); c.232G>A, p.Glu78Lys (NM_001407304.1, NM_001407305.1, NM_001407306.1 and 5 more transcripts); short protein forms E373K, E78K, E353K.
Identifiers: ClinVar variation 1796607 (VCV001796607.3), dbSNP rs1597097072, ClinGen allele CA395133732.
Genomic context (GRCh38, chr16:23,635,429, plus strand): 5'-TTTCTGCAGAAAGAGGAGAGGTTGCTTCCAGGCTAAGACTCTTAGGTTGACTTAGAATCT[C>T]ACTTTCCTGAAGATTTTCATTCCTGCCATCAAGAGTGTCACTGGGAGATTTTAAAGATTT-3'
Protein context (NP_078951.2, residues 363-383): DGRNENLQES[Glu373Lys]ILSQPKSLSL